The following is an entry in ClinVar:

ClinVar aggregate classification (germline): Uncertain significance (1 of 4 stars; one submission).

Submission:

Labcorp Genetics (formerly Invitae), Labcorp
Classification: Uncertain significance. Last evaluated: 2025-05-05. Review status: criteria provided, single submitter. Criteria: Invitae Variant Classification Sherloc (09022015). Collection method: clinical testing. Allele origin: germline.
Comment: This sequence change replaces isoleucine, which is neutral and non-polar, with methionine, which is neutral and non-polar, at codon 72 of the ATR protein (p.Ile72Met). This variant is not present in population databases (gnomAD no frequency). This variant has not been reported in the literature in individuals affected with ATR-related conditions. An algorithm developed to predict the effect of missense changes on protein structure and function (PolyPhen-2) suggests that this variant is likely to be disruptive. In summary, the available evidence is currently insufficient to determine the role of this variant in disease. Therefore, it has been classified as a Variant of Uncertain Significance.

NM_001184.4(ATR):c.216C>G (p.Ile72Met)

Gene: ATR (ATR checkpoint kinase; minus strand). Cytogenetic location: 3q23.
Variant type: single nucleotide variant.
Coding change: c.216C>G on transcript NM_001184.4 (MANE Select); coding-DNA position 216, C replaced by G.
Protein change: p.Ile72Met; replaces isoleucine 72 with methionine.
Molecular consequence: missense variant.
Genome position (GRCh38, 1-based): chr3:142,566,197, G>C on the plus strand (C>G on the coding strand, the complement: ATR is on the minus strand). VCF-style: chr3-142566197-G-C. GRCh37 (hg19) VCF-style: chr3-142285039-G-C.
Other names: c.216C>G, p.Ile72Met (NM_001354579.2); short protein forms I72M.
Identifiers: ClinVar variation 4737934 (VCV004737934.1).
Genomic context (GRCh38, chr3:142,566,197, plus strand): 5'-GGCCTCATGGCTTCCACTCACATTTACAAACATAAGTGGGGAGGATTTCATGATATGCTG[G>C]ATGAAATCAAGCAACATCACGGAGGTTGGCTGAGAGTCAGTTTTCTTTACAAGTTCTACA-3'
Protein context (NP_001175.2, residues 62-82): QPTSVMLLDF[Ile72Met]QHIMKSSPLM